The following is an entry in ClinVar:

NM_001077446.4(TSEN34):c.875C>T (p.Ser292Phe)

Gene: TSEN34 (tRNA splicing endonuclease subunit 34; plus strand). Cytogenetic location: 19q13.42.
Variant type: single nucleotide variant.
Coding change: c.875C>T on transcript NM_001077446.4 (MANE Select); coding-DNA position 875, C replaced by T.
Protein change: p.Ser292Phe; replaces serine 292 with phenylalanine.
Molecular consequence: missense variant.
Genome position (GRCh38, 1-based): chr19:54,193,304, C>T. VCF-style: chr19-54193304-C-T. GRCh37 (hg19) VCF-style: chr19-54697159-C-T.
Other names: c.875C>T, p.Ser292Phe (NM_001282332.2, NM_001282333.2, NM_001386740.1 and 1 more transcripts); short protein forms S292F.
Identifiers: ClinVar variation 429435 (VCV000429435.3), dbSNP rs779607438, ClinGen allele CA407766097.

ClinVar aggregate classification (germline): Uncertain significance (1 of 4 stars; one submission).

Submission:

GeneDx
Classification: Uncertain significance. Last evaluated: 2019-11-12. Review status: criteria provided, single submitter. Criteria: GeneDx Variant Classification Process June 2021. Collection method: clinical testing. Allele origin: germline. Affected: yes.
Comment: Not observed in large population cohorts (Lek et al., 2016); In silico analysis, which includes protein predictors and evolutionary conservation, supports a deleterious effect; Has not been previously published as pathogenic or benign to our knowledge